The following is an entry in ClinVar:

NM_000179.3(MSH6):c.3244C>T (p.Pro1082Ser)

Gene: MSH6 (mutS homolog 6; plus strand). Cytogenetic location: 2p16.3.
Variant type: single nucleotide variant.
Coding change: c.3244C>T on transcript NM_000179.3 (MANE Select); coding-DNA position 3244, C replaced by T.
Protein change: p.Pro1082Ser; replaces proline 1082 with serine.
Molecular consequence: missense variant.
Genome position (GRCh38, 1-based): chr2:47,803,491, C>T. VCF-style: chr2-47803491-C-T. GRCh37 (hg19) VCF-style: chr2-48030630-C-T.
Other names: p.P1082S:CCG>TCG; c.2854C>T, p.Pro952Ser (NM_001281492.2); c.2338C>T, p.Pro780Ser (NM_001281493.2, NM_001281494.2); short protein forms P1082S, P780S, P952S.
Identifiers: ClinVar variation 141299 (VCV000141299.34), dbSNP rs186240214, ClinGen allele CA012124.
Genomic context (GRCh38, chr2:47,803,491, plus strand): 5'-TGCCTGGCTAACTATAGTCGAGGGGGTGATGGTCCTATGTGTCGCCCAGTAATTCTGTTG[C>T]CGGAAGATACCCCCCCCTTCTTAGAGCTTAAAGGATCACGCCATCCTTGCATTACGAAGA-3'
Protein context (NP_000170.1, residues 1072-1092): GPMCRPVILL[Pro1082Ser]EDTPPFLELK

ClinVar aggregate classification (germline): Conflicting classifications of pathogenicity. Review status: criteria provided, conflicting classifications (1 of 4 stars). 13 submissions from 13 submitters: Uncertain significance (5); Benign (2); Likely benign (5). 1 of the submissions does not count toward it. Last evaluated 2025-12-31.

Conditions:
MSH6-related disorder. Also called: MSH6-Related disorders; MSH6-related condition.
Hereditary nonpolyposis colorectal neoplasms. Identifiers: MedGen C0009405, MeSH D003123.
Hereditary cancer-predisposing syndrome. Also called: Tumor predisposition; Neoplastic Syndromes, Hereditary; Hereditary neoplastic syndrome; Hereditary Cancer Syndrome. Identifiers: Orphanet 140162, MedGen C0027672, MeSH D009386, MONDO:0015356.
Ovarian cancer. Also called: OVARIAN CANCER, SOMATIC. Identifiers: Orphanet 213500, MedGen C1140680, MONDO:0008170, OMIM 167000.
Lynch syndrome. Identifiers: Orphanet 144, MedGen C4552100, MONDO:0005835. Disease mechanism: loss of function.
Endometrial carcinoma. Also called: Endometrial carcinoma, somatic. Identifiers: MedGen C0476089, MONDO:0002447, OMIM 608089, HP:0012114.
Mismatch repair cancer syndrome 1 (MMRCS1). Also called: BRAIN TUMOR-POLYPOSIS SYNDROME 1; BTP1 SYNDROME; CHILDHOOD CANCER SYNDROME; MISMATCH REPAIR DEFICIENCY; MMR DEFICIENCY. Identifiers: Orphanet 252202, MedGen C5399763, MONDO:0010159, OMIM 276300. Disease mechanism: loss of function.
Lynch syndrome 5 (LYNCH5). Also called: Colorectal cancer, hereditary nonpolyposis, type 5; Hereditary non-polyposis colorectal cancer, type 5. Identifiers: Orphanet 144, MedGen C1833477, MONDO:0013710, OMIM 614350. Disease mechanism: loss of function.

Allele frequency attached by ClinVar (database versions not stated): ExAC 0.00005; gnomAD exomes 0.00005; TOPMed 0.00015; 1000 Genomes Project 30x 0.00047; 1000 Genomes Project 0.00060; gnomAD 0.00002 and 0.00004.

Submissions (13):

Labcorp Genetics (formerly Invitae), Labcorp
Classification: Benign for Hereditary nonpolyposis colorectal neoplasms. Last evaluated: 2025-12-31. Review status: criteria provided, single submitter. Criteria: Invitae Variant Classification Sherloc (09022015). Collection method: clinical testing. Allele origin: germline.

PreventionGenetics, part of Exact Sciences
Classification: Likely benign for MSH6-related condition. Last evaluated: 2025-12-02. Review status: criteria provided, single submitter. Criteria: ACMG Guidelines, 2015. Collection method: clinical testing. Allele origin: germline.
Comment: This variant is classified as likely benign based on ACMG/AMP sequence variant interpretation guidelines (Richards et al. 2015 PMID: 25741868, with internal and published modifications).

Quest Diagnostics Nichols Institute San Juan Capistrano
Classification: Likely benign. Last evaluated: 2025-02-25. Review status: criteria provided, single submitter. Criteria: Quest Diagnostics criteria. Collection method: clinical testing. Allele origin: unknown.

Myriad Genetics, Inc.
Classification: Likely benign for Lynch syndrome 5. Last evaluated: 2025-01-06. Review status: criteria provided, single submitter. Criteria: Myriad Autosomal Dominant, Autosomal Recessive and X-Linked Classification Criteria (2023). Collection method: clinical testing. Allele origin: unknown.
Comment: This variant is considered likely benign. This variant is strongly associated with less severe personal and family histories of cancer, typical for individuals without pathogenic variants in this gene [PMID: 27363726].

All of Us Research Program, National Institutes of Health
Classification: Uncertain significance for Lynch syndrome. Last evaluated: 2024-08-06. Review status: criteria provided, single submitter. Criteria: ACMG Guidelines, 2015. Collection method: clinical testing. Allele origin: germline. Inheritance: Autosomal dominant inheritance. Observed: 10 variant alleles, 10 heterozygotes.
Comment: This missense variant replaces proline with serine at codon 1082 of the MSH6 protein. Computational prediction is inconclusive regarding the impact of this variant on protein structure and function (internally defined REVEL score threshold 0.5 < inconclusive < 0.7, PMID: 27666373). To our knowledge, functional studies have not been reported for this variant. This variant has been reported in three individuals affected with colorectal cancer (PMID: 24100870, 33294277), in an individual affected with urothelial carcinoma (PMID: 33588785), and in at least six individuals suspected of having hereditary breast and ovarian cancer (PMID: 30982232, 31742824). Among the colorectal cancer cases one individual had a pathogenic MLH1 covariant, and in a second individual the methylation of MLH1 was detected along with the loss of MLH1 and PMS2 proteins by immunohistochemistry (PMID: 24100870, 33294277). This variant also has been detected in a pancreatic cancer case-control study in which it was found in five unaffected control individuals and absent in affected individuals (PMID: 32980694), as well as a breast cancer case-control study where it was found in 11 affected individuals and 12 unaffected control individuals (PMID: 33471991). This variant has been identified in 13/282780 chromosomes in the general population by the Genome Aggregation Database (gnomAD). The available evidence is insufficient to determine the role of this variant in disease conclusively. Therefore, this variant is classified as a Variant of Uncertain Significance.

This study involves interpretation of variants in research participants for the purpose of population health screening. Participant phenotype was not available at the time of variant classification. Additional details can be found in publication PMID: 35346344, PMCID: PMC8962531

Color Diagnostics, LLC DBA Color Health
Classification: Uncertain significance for Hereditary cancer-predisposing syndrome. Last evaluated: 2024-05-09. Review status: criteria provided, single submitter. Criteria: ACMG Guidelines, 2015. Collection method: clinical testing. Allele origin: germline.
Comment: This missense variant replaces proline with serine at codon 1082 of the MSH6 protein. Computational prediction is inconclusive regarding the impact of this variant on protein structure and function (internally defined REVEL score threshold 0.5 < inconclusive < 0.7, PMID: 27666373). To our knowledge, functional studies have not been reported for this variant. This variant has been reported in three individuals affected with colorectal cancer (PMID: 24100870, 33294277), in an individual affected with urothelial carcinoma (PMID: 33588785), and in at least six individuals suspected of having hereditary breast and ovarian cancer (PMID: 30982232, 31742824). Among the colorectal cancer cases one individual had a pathogenic MLH1 covariant, and in a second individual the methylation of MLH1 was detected along with the loss of MLH1 and PMS2 proteins by immunohistochemistry (PMID: 24100870, 33294277). This variant also has been detected in a pancreatic cancer case-control study in which it was found in five unaffected control individuals and absent in affected individuals (PMID: 32980694), as well as a breast cancer case-control study where it was found in 11 affected individuals and 12 unaffected control individuals (PMID: 33471991). This variant has been identified in 13/282780 chromosomes in the general population by the Genome Aggregation Database (gnomAD). The available evidence is insufficient to determine the role of this variant in disease conclusively. Therefore, this variant is classified as a Variant of Uncertain Significance.

Baylor Genetics
Classification: Uncertain significance for Endometrial carcinoma. Last evaluated: 2024-03-29. Review status: criteria provided, single submitter. Criteria: ACMG Guidelines, 2015. Collection method: clinical testing. Allele origin: unknown.

Ambry Genetics
Classification: Likely benign for Hereditary cancer-predisposing syndrome. Last evaluated: 2023-10-19. Review status: criteria provided, single submitter. Criteria: Ambry Variant Classification Scheme 2023. Collection method: clinical testing. Allele origin: germline.

Laboratory of Molecular Epidemiology of Birth Defects, West China Second University Hospital, Sichuan University
Classification: Benign for Ovarian cancer. Last evaluated: 2022-01-01. Review status: criteria provided, single submitter. Criteria: ACMG Guidelines, 2015. Collection method: clinical testing. Allele origin: germline. Affected: yes.

Women's Health and Genetics/Laboratory Corporation of America, LabCorp
Classification: Likely benign. Last evaluated: 2019-11-26. Review status: criteria provided, single submitter. Criteria: LabCorp Variant Classification Summary - May 2015. Collection method: clinical testing. Allele origin: germline.
Comment: Variant summary: MSH6 c.3244C>T (p.Pro1082Ser) results in a non-conservative amino acid change located in the core domain (IPR007696) of the encoded protein sequence. Three of five in-silico tools predict a benign effect of the variant on protein function. The variant allele was found at a frequency of 4.8e-05 in 251392 control chromosomes, exclusively reported within the East Asian subpopulation, at a frequency of 0.00065 (gnomAD). The observed variant frequency within East Asian control individuals is approximately 5-fold of the estimated maximal expected allele frequency for a pathogenic variant in MSH6 causing Lynch Syndrome phenotype (0.00014), strongly suggesting that the variant is a benign polymorphism found primarily in populations of East Asian origin. The variant was also found in multiple Chinese individuals with personal- or family history of breast- or ovarian cancer (Wang_2019, Shao_2019). In one of these patients however, a co-occurring pathogenic variant has been reported (BRCA1 c.5521delA (p.Ser1841fs); Wang_2019) that could explain the phenotype. To our knowledge, no experimental evidence demonstrating an impact on protein function has been reported. Six other ClinVar submitters cite the variant as uncertain significance. Based on the evidence outlined above, the variant was classified as likely benign.

GeneDx
Classification: Uncertain significance. Last evaluated: 2018-04-10. Review status: criteria provided, single submitter. Criteria: GeneDx Variant Classification (06012015). Collection method: clinical testing. Allele origin: germline. Affected: yes.
Comment: This variant is denoted MSH6 c.3244C>T at the cDNA level, p.Pro1082Ser (P1082S) at the protein level, and results in the change of a Proline to a Serine (CCG>TCG). This variant was observed in a patient with sporadic colorectal cancer whose tumor was microsatellite stable, demonstrated microsatellite stability, loss of MLH1and PMS2 expression on immunohistochemistry, and was positive for MLH1 promoter hypermethylation (Terui 2013). MSH6 Pro1082Ser was not observed at a significant allele frequency in large population cohorts (Lek 2016). This variant is located in the ATPase domain (Warren 2007, Kansikas 2011). In silico analysis, which includes protein predictors and evolutionary conservation, supports that this variant does not alter protein structure/function. Based on currently available evidence, it is unclear whether MSH6 Pro1082Ser is a pathogenic or benign variant. We consider it to be a variant of uncertain significance.

Fulgent Genetics
Classification: Uncertain significance for Mismatch repair cancer syndrome 1; Endometrial carcinoma; Lynch syndrome 5. Last evaluated: 2017-05-23. Review status: criteria provided, single submitter. Criteria: ACMG Guidelines, 2015. Collection method: clinical testing. Allele origin: unknown.

Counsyl
Classification: Uncertain significance for Lynch syndrome 5. Last evaluated: 2015-11-24. Review status: no assertion criteria provided. Collection method: clinical testing. Allele origin: unknown. Not counted in ClinVar's aggregate classification.

Literature cited by the submitters: PubMed 33294277 (cited by 3 submitters); PubMed 32107087 (cited by Quest Diagnostics Nichols Institute San Juan Capistrano); PubMed 31742824 (cited by 3 submitters); PubMed 31702654 (cited by Quest Diagnostics Nichols Institute San Juan Capistrano); PubMed 30982232 (cited by 4 submitters); PubMed 24100870 (cited by 5 submitters); PubMed 27363726 (cited by Myriad Genetics, Inc.); PubMed 32980694 (cited by All of Us Research Program, National Institutes of Health and Color Diagnostics, LLC DBA Color Health); PubMed 33471991 (cited by All of Us Research Program, National Institutes of Health and Color Diagnostics, LLC DBA Color Health); PubMed 33588785 (cited by All of Us Research Program, National Institutes of Health and Color Diagnostics, LLC DBA Color Health).